The following is an entry in ClinVar:

NM_000742.4(CHRNA2):c.232C>T (p.Pro78Ser)

Gene: CHRNA2 (cholinergic receptor nicotinic alpha 2 subunit; minus strand). Cytogenetic location: 8p21.2.
Variant type: single nucleotide variant.
Coding change: c.232C>T on transcript NM_000742.4 (MANE Select); coding-DNA position 232, C replaced by T.
Protein change: p.Pro78Ser; replaces proline 78 with serine.
Molecular consequence: missense variant. On other transcripts: 5 prime UTR variant (4).
Genome position (GRCh38, 1-based): chr8:27,469,823, G>A on the plus strand (C>T on the coding strand, the complement: CHRNA2 is on the minus strand). VCF-style: chr8-27469823-G-A. GRCh37 (hg19) VCF-style: chr8-27327340-G-A.
Other names: c.232C>T, p.Pro78Ser (NM_001282455.2); c.-196C>T (NM_001347705.2); c.-241C>T (NM_001347706.2); c.-182C>T (NM_001347707.2); c.-230C>T (NM_001347708.2); short protein forms P78S.
Identifiers: ClinVar variation 4739983 (VCV004739983.1).

ClinVar aggregate classification (germline): Uncertain significance (1 of 4 stars; one submission).

Conditions:
Familial sleep-related hypermotor epilepsy. Also called: Autosomal Dominant Sleep-Related Hypermotor (Hyperkinetic) Epilepsy. Identifiers: Orphanet 98784, MedGen C3696898, MONDO:0000030.

gnomAD v4.1: 6 of 1,614,188 alleles (0.00037%); highest among the groups gnomAD compares: East Asian, 0.013%; no homozygotes.

Submission:

Labcorp Genetics (formerly Invitae), Labcorp
Classification: Uncertain significance. Last evaluated: 2025-08-10. Review status: criteria provided, single submitter. Criteria: Invitae Variant Classification Sherloc (09022015). Collection method: clinical testing. Allele origin: germline.
Comment: This sequence change replaces proline, which is neutral and non-polar, with serine, which is neutral and polar, at codon 78 of the CHRNA2 protein (p.Pro78Ser). This variant is present in population databases (rs772119766, gnomAD 0.02%). This variant has not been reported in the literature in individuals affected with CHRNA2-related conditions. Invitae Evidence Modeling of protein sequence and biophysical properties (such as structural, functional, and spatial information, amino acid conservation, physicochemical variation, residue mobility, and thermodynamic stability) indicates that this missense variant is not expected to disrupt CHRNA2 protein function with a negative predictive value of 80%. In summary, the available evidence is currently insufficient to determine the role of this variant in disease. Therefore, it has been classified as a Variant of Uncertain Significance.